The following is an entry in ClinVar:

ClinVar aggregate classification (germline): Uncertain significance. Review status: criteria provided, multiple submitters, no conflicts (2 of 4 stars). 3 submissions from 3 submitters: Uncertain significance (3). Last evaluated 2023-10-06.

Conditions:
Hereditary cancer-predisposing syndrome. Also called: Neoplastic Syndromes, Hereditary; Hereditary neoplastic syndrome; Tumor predisposition; Hereditary Cancer Syndrome. Identifiers: Orphanet 140162, MedGen C0027672, MeSH D009386, MONDO:0015356.
Familial cancer of breast. Also called: hereditary breast carcinoma; BREAST CANCER, FAMILIAL; Hereditary breast cancer. Identifiers: Orphanet 227535, MedGen C0346153, MONDO:0016419, OMIM 114480. Disease mechanism: loss of function.

Allele frequency attached by ClinVar (database versions not stated): gnomAD exomes below 0.00001; ExAC 0.00001.
gnomAD v4.1: 1 of 1,612,354 alleles (0.000062%); highest among the groups gnomAD compares: Non-Finnish European, 0.000085%; no homozygotes.

Submissions (3):

Ambry Genetics
Classification: Uncertain significance for Hereditary cancer-predisposing syndrome. Last evaluated: 2023-10-06. Review status: criteria provided, single submitter. Criteria: Ambry Variant Classification Scheme 2023. Collection method: clinical testing. Allele origin: germline.
Comment: The p.D135G variant (also known as c.404A>G), located in coding exon 4 of the BARD1 gene, results from an A to G substitution at nucleotide position 404. The aspartic acid at codon 135 is replaced by glycine, an amino acid with similar properties. This amino acid position is conserved. In addition, this alteration is predicted to be tolerated by in silico analysis. Since supporting evidence is limited at this time, the clinical significance of this alteration remains unclear.

Color Diagnostics, LLC DBA Color Health
Classification: Uncertain significance for Hereditary cancer-predisposing syndrome. Last evaluated: 2021-09-21. Review status: criteria provided, single submitter. Criteria: ACMG Guidelines, 2015. Collection method: clinical testing. Allele origin: germline.
Comment: This missense variant replaces aspartic acid with glycine at codon 135 of the BARD1 protein. Computational prediction suggests that this variant may not impact protein structure and function (internally defined REVEL score threshold <= 0.5, PMID: 27666373). To our knowledge, functional studies have not been reported for this variant. This variant has not been reported in individuals affected with hereditary cancer in the literature. This variant has been identified in 1/248718 chromosomes in the general population by the Genome Aggregation Database (gnomAD). The available evidence is insufficient to determine the role of this variant in disease conclusively. Therefore, this variant is classified as a Variant of Uncertain Significance.

Labcorp Genetics (formerly Invitae), Labcorp
Classification: Uncertain significance for Familial cancer of breast. Last evaluated: 2020-12-07. Review status: criteria provided, single submitter. Criteria: Invitae Variant Classification Sherloc (09022015). Collection method: clinical testing. Allele origin: germline.
Comment: In summary, the available evidence is currently insufficient to determine the role of this variant in disease. Therefore, it has been classified as a Variant of Uncertain Significance. This sequence change replaces aspartic acid with glycine at codon 135 of the BARD1 protein (p.Asp135Gly). The aspartic acid residue is moderately conserved and there is a moderate physicochemical difference between aspartic acid and glycine. This variant is present in population databases (rs778256124, ExAC 0.002%). This variant has not been reported in the literature in individuals with BARD1-related conditions. Algorithms developed to predict the effect of missense changes on protein structure and function (SIFT, PolyPhen-2, Align-GVGD) all suggest that this variant is likely to be tolerated, but these predictions have not been confirmed by published functional studies and their clinical significance is uncertain.

NM_000465.4(BARD1):c.404A>G (p.Asp135Gly)

Gene: BARD1 (BRCA1 associated RING domain 1; minus strand). Cytogenetic location: 2q35.
Variant type: single nucleotide variant.
Coding change: c.404A>G on transcript NM_000465.4 (MANE Select); coding-DNA position 404, A replaced by G.
Protein change: p.Asp135Gly; replaces aspartic acid 135 with glycine.
Molecular consequence: missense variant. On other transcripts: non-coding transcript variant (2), intron variant (3).
Genome position (GRCh38, 1-based): chr2:214,781,470, T>C on the plus strand (A>G on the coding strand, the complement: BARD1 is on the minus strand). VCF-style: chr2-214781470-T-C. GRCh37 (hg19) VCF-style: chr2-215646194-T-C.
Other names: c.404A>G (NM_000465.2); c.347A>G, p.Asp116Gly (NM_001282543.2); c.158+27942A>G (NM_001282548.2); c.215+15591A>G (NM_001282545.2); c.364+10827A>G (NM_001282549.2); short protein forms D116G, D135G.
Identifiers: ClinVar variation 1395890 (VCV001395890.12), dbSNP rs778256124, ClinGen allele CA2090427.